The following is an entry in ClinVar:

NM_014254.3(RXYLT1):c.391A>G (p.Arg131Gly)

Gene: RXYLT1 (ribitol xylosyltransferase 1; plus strand). Cytogenetic location: 12q14.2.
Variant type: single nucleotide variant.
Coding change: c.391A>G on transcript NM_014254.3 (MANE Select); coding-DNA position 391, A replaced by G.
Protein change: p.Arg131Gly; replaces arginine 131 with glycine.
Molecular consequence: missense variant. On other transcripts: 5 prime UTR variant (1).
Genome position (GRCh38, 1-based): chr12:63,785,035, A>G. VCF-style: chr12-63785035-A-G. GRCh37 (hg19) VCF-style: chr12-64178815-A-G.
Other names: c.-390A>G (NM_001278237.2); short protein forms R131G.
Identifiers: ClinVar variation 1023976 (VCV001023976.6), dbSNP rs1434004097, ClinGen allele CA385584593.

ClinVar aggregate classification (germline): Uncertain significance (1 of 4 stars; one submission).

Allele frequency attached by ClinVar (database versions not stated): gnomAD exomes below 0.00001.
gnomAD v4.1: 3 of 1,613,878 alleles (0.00019%); highest among the groups gnomAD compares: Non-Finnish European, 0.00025%; no homozygotes.

Submission:

Labcorp Genetics (formerly Invitae), Labcorp
Classification: Uncertain significance. Last evaluated: 2022-02-11. Review status: criteria provided, single submitter. Criteria: Invitae Variant Classification Sherloc (09022015). Collection method: clinical testing. Allele origin: germline.
Comment: This sequence change replaces arginine, which is basic and polar, with glycine, which is neutral and non-polar, at codon 131 of the RXYLT1 protein (p.Arg131Gly). This variant is present in population databases (no rsID available, gnomAD 0.0009%). This variant has not been reported in the literature in individuals affected with RXYLT1-related conditions. ClinVar contains an entry for this variant (Variation ID: 1023976). Algorithms developed to predict the effect of missense changes on protein structure and function (SIFT, PolyPhen-2, Align-GVGD) all suggest that this variant is likely to be disruptive. In summary, the available evidence is currently insufficient to determine the role of this variant in disease. Therefore, it has been classified as a Variant of Uncertain Significance.